The following is an entry in ClinVar:

ClinVar aggregate classification (germline): Uncertain significance (1 of 4 stars; one submission).

Submission:

GeneDx
Classification: Uncertain significance. Last evaluated: 2024-11-26. Review status: criteria provided, single submitter. Criteria: GeneDx Variant Classification Process June 2021. Collection method: clinical testing. Allele origin: germline. Affected: yes.
Comment: Not observed at significant frequency in large population cohorts (gnomAD); In silico analysis supports that this missense variant has a deleterious effect on protein structure/function; Has not been previously published as pathogenic or benign to our knowledge

NM_015057.5(MYCBP2):c.11498C>G (p.Ser3833Cys)

Genes: MYCBP2 (MYC binding protein 2; minus strand), MYCBP2-AS1 (MYCBP2 antisense RNA 1; plus strand). Cytogenetic location: 13q22.3.
Variant type: single nucleotide variant.
Coding change: c.11498C>G on transcript NM_015057.5 (MANE Select); coding-DNA position 11498, C replaced by G.
Protein change: p.Ser3833Cys; replaces serine 3833 with cysteine.
Molecular consequence: missense variant.
Genome position (GRCh38, 1-based): chr13:77,077,374, G>C on the plus strand (C>G on the coding strand, the complement: MYCBP2 is on the minus strand). VCF-style: chr13-77077374-G-C. GRCh37 (hg19) VCF-style: chr13-77651509-G-C.
Other names: short protein forms S3833C.
Identifiers: ClinVar variation 3373123 (VCV003373123.2).